The following is an entry in ClinVar:

NM_001101426.4(CRPPA):c.82G>C (p.Ala28Pro)

Genes: CRPPA (CDP-L-ribitol pyrophosphorylase A; minus strand), LOC129998005 (ATAC-STARR-seq lymphoblastoid silent region 17982; plus strand). Cytogenetic location: 7p21.2.
Variant type: single nucleotide variant.
Coding change: c.82G>C on transcript NM_001101426.4 (MANE Select); coding-DNA position 82, G replaced by C.
Protein change: p.Ala28Pro; replaces alanine 28 with proline.
Molecular consequence: missense variant. On other transcripts: non-coding transcript variant (1).
Genome position (GRCh38, 1-based): chr7:16,421,241, C>G on the plus strand (G>C on the coding strand, the complement: CRPPA is on the minus strand). VCF-style: chr7-16421241-C-G. GRCh37 (hg19) VCF-style: chr7-16460866-C-G.
Other names: c.82G>C, p.Ala28Pro (NM_001101417.4, NM_001368197.1); c.82G>C (NM_001101426.3); short protein forms A28P.
Identifiers: ClinVar variation 1680814 (VCV001680814.9), dbSNP rs2128321512, ClinGen allele CA367004383.

ClinVar aggregate classification (germline): Uncertain significance. Review status: criteria provided, multiple submitters, no conflicts (2 of 4 stars). 3 submissions from 3 submitters: Uncertain significance (3). Last evaluated 2025-10-22.

Conditions:
Muscular dystrophy-dystroglycanopathy (congenital with brain and eye anomalies), type A, 7. Also called: WALKER-WARBURG SYNDROME OR MUSCLE-EYE-BRAIN DISEASE, ISPD-RELATED; Congenital muscular dystrophy-dystroglycanopathy with brain and eye anomalies, type A7. Identifiers: Orphanet 899, MedGen C3553330, MONDO:0013835, OMIM 614643.
Autosomal recessive limb-girdle muscular dystrophy type 2U. Also called: Muscular dystrophy-dystroglycanopathy (limb-girdle), type c, 7; MUSCULAR DYSTROPHY, LIMB-GIRDLE, TYPE 2U. Identifiers: Orphanet 352479, MedGen C5190987, MONDO:0014474, OMIM 616052.

Submissions (3):

Ambry Genetics
Classification: Uncertain significance. Last evaluated: 2025-10-22. Review status: criteria provided, single submitter. Criteria: Ambry Variant Classification Scheme 2023. Collection method: clinical testing. Allele origin: germline.

Revvity Omics, Revvity
Classification: Uncertain significance. Last evaluated: 2025-05-08. Review status: criteria provided, single submitter. Criteria: ACMG Guidelines, 2015. Collection method: clinical testing. Allele origin: germline.

Labcorp Genetics (formerly Invitae), Labcorp
Classification: Uncertain significance for Muscular dystrophy-dystroglycanopathy (congenital with brain and eye anomalies), type A, 7; Autosomal recessive limb-girdle muscular dystrophy type 2U. Last evaluated: 2022-11-01. Review status: criteria provided, single submitter. Criteria: Invitae Variant Classification Sherloc (09022015). Collection method: clinical testing. Allele origin: germline.
Comment: In summary, the available evidence is currently insufficient to determine the role of this variant in disease. Therefore, it has been classified as a Variant of Uncertain Significance. This variant is not present in population databases (gnomAD no frequency). This variant has not been reported in the literature in individuals affected with ISPD-related conditions. ClinVar contains an entry for this variant (Variation ID: 1680814). Algorithms developed to predict the effect of missense changes on protein structure and function (SIFT, PolyPhen-2, Align-GVGD) all suggest that this variant is likely to be tolerated. This sequence change replaces alanine, which is neutral and non-polar, with proline, which is neutral and non-polar, at codon 28 of the ISPD protein (p.Ala28Pro).